The following is an entry in ClinVar:

NM_177438.3(DICER1):c.4671_4672del (p.Ser1558fs)

Gene: DICER1 (dicer 1, ribonuclease III; minus strand). Cytogenetic location: 14q32.13.
Variant type: Deletion.
Coding change: c.4671_4672del on transcript NM_177438.3 (MANE Select); coding-DNA positions 4671 to 4672, 2 bases deleted (AA; older notation c.4671_4672delAA).
Protein change: p.Ser1558fs; shifts the reading frame from serine 1558.
Molecular consequence: frameshift variant.
Genome position (GRCh38, 1-based): chr14:95,096,248-95,096,249, TT deleted on the plus strand (AA on the coding strand, the reverse complement: DICER1 is on the minus strand); deleting any 2 consecutive bases within chr14:95,096,248-95,096,251 gives the same sequence; the c. name uses the placement nearest the transcript's 3' end. VCF-style (leftmost placement, unchanged base first): chr14-95096247-CTT-C. GRCh37 (hg19) VCF-style: chr14-95562584-CTT-C.
Other names: c.4671_4672del, p.Ser1558fs (NM_001195573.1, NM_001271282.3, NM_001291628.2 and 1 more transcripts); short protein forms S1558fs.
Identifiers: ClinVar variation 944497 (VCV000944497.9), dbSNP rs1890322492, ClinGen allele CA1139663699.
Genomic context (GRCh38, chr14:95,096,247, plus strand): 5'-GCCCTCTCCCCACAGCTGGTTAAATAGCAGCCCAGCAGGGCTTCCACACAGTCCGCTATG[CTT>C]TTGTCAGCAATACACTGCTCAGTGTGCAAGTCGTAAGAAATGGACTGCTTTCCCGTGTCA-3'

ClinVar aggregate classification (germline): Pathogenic (1 of 4 stars; one submission).

Conditions:
DICER1-related tumor predisposition. Also called: DICER1-related pleuropulmonary blastoma cancer predisposition syndrome; DICER1 syndrome. Identifiers: Orphanet 284343, MedGen C3839822, MONDO:0100216.

Submission:

Labcorp Genetics (formerly Invitae), Labcorp
Classification: Pathogenic for DICER1-related tumor predisposition. Last evaluated: 2019-05-12. Review status: criteria provided, single submitter. Criteria: Invitae Variant Classification Sherloc (09022015). Collection method: clinical testing. Allele origin: germline.
Comment: For these reasons, this variant has been classified as Pathogenic. Loss-of-function variants in DICER1 are known to be pathogenic (PMID: 19556464, 21266384). This variant has not been reported in the literature in individuals with DICER1-related conditions. This variant is not present in population databases (ExAC no frequency). This sequence change creates a premature translational stop signal (p.Ser1558Hisfs*37) in the DICER1 gene. It is expected to result in an absent or disrupted protein product.

Literature cited by the submitters: PubMed 19556464; PubMed 21266384.